The following is an entry in ClinVar:

ClinVar aggregate classification (germline): Uncertain significance (1 of 4 stars; one submission).

Submission:

Labcorp Genetics (formerly Invitae), Labcorp
Classification: Uncertain significance. Last evaluated: 2025-01-22. Review status: criteria provided, single submitter. Criteria: Invitae Variant Classification Sherloc (09022015). Collection method: clinical testing. Allele origin: germline.
Comment: This sequence change replaces threonine, which is neutral and polar, with asparagine, which is neutral and polar, at codon 1707 of the IGSF10 protein (p.Thr1707Asn). This variant is not present in population databases (gnomAD no frequency). This variant has not been reported in the literature in individuals affected with IGSF10-related conditions. An algorithm developed to predict the effect of missense changes on protein structure and function (PolyPhen-2) suggests that this variant is likely to be disruptive. In summary, the available evidence is currently insufficient to determine the role of this variant in disease. Therefore, it has been classified as a Variant of Uncertain Significance.

NM_178822.5(IGSF10):c.5120C>A (p.Thr1707Asn)

Gene: IGSF10 (immunoglobulin superfamily member 10; minus strand). Cytogenetic location: 3q25.1.
Variant type: single nucleotide variant.
Coding change: c.5120C>A on transcript NM_178822.5 (MANE Select); coding-DNA position 5120, C replaced by A.
Protein change: p.Thr1707Asn; replaces threonine 1707 with asparagine.
Molecular consequence: missense variant.
Genome position (GRCh38, 1-based): chr3:151,443,827, G>T on the plus strand (C>A on the coding strand, the complement: IGSF10 is on the minus strand). VCF-style: chr3-151443827-G-T. GRCh37 (hg19) VCF-style: chr3-151161615-G-T.
Other names: c.5120C>A, p.Thr1707Asn (NM_001385060.1, NM_001385061.1, NM_001385062.1 and 1 more transcripts); short protein forms T1707N.
Identifiers: ClinVar variation 3671996 (VCV003671996.2).